The following is an entry in ClinVar:

ClinVar aggregate classification (germline): Benign. Review status: criteria provided, multiple submitters, no conflicts (2 of 4 stars). 3 submissions from 3 submitters: Benign (2). 1 of the submissions does not count toward it. Last evaluated 2019-12-31.

Conditions:
NLRP2-related disorder. Also called: NLRP2-related condition.

Allele frequency attached by ClinVar (database versions not stated): gnomAD exomes 0.00079 and 0.00237; ExAC 0.00302; gnomAD 0.00895 and 0.00969; TOPMed 0.00977; 1000 Genomes Project 0.00978; ESP Exome Variant Server 0.01076; 1000 Genomes Project 30x 0.01124.

Submissions (3):

Labcorp Genetics (formerly Invitae), Labcorp
Classification: Benign. Last evaluated: 2019-12-31. Review status: criteria provided, single submitter. Criteria: Invitae Variant Classification Sherloc (09022015). Collection method: clinical testing. Allele origin: germline.

Breakthrough Genomics
Classification: Benign. Review status: criteria provided, single submitter. Criteria: ACMG Guidelines, 2015. Collection method: not provided. Allele origin: germline. Inheritance: Unknown mechanism. Affected: yes.

PreventionGenetics, part of Exact Sciences
Classification: Benign for NLRP2-related condition. Last evaluated: 2019-02-27. Review status: no assertion criteria provided. Collection method: clinical testing. Allele origin: germline. Not counted in ClinVar's aggregate classification.
Comment: This variant is classified as benign based on ACMG/AMP sequence variant interpretation guidelines (Richards et al. 2015 PMID: 25741868, with internal and published modifications).

NM_017852.5(NLRP2):c.3095A>T (p.Glu1032Val)

Gene: NLRP2 (NLR family pyrin domain containing 2; plus strand). Cytogenetic location: 19q13.42.
Variant type: single nucleotide variant.
Coding change: c.3095A>T on transcript NM_017852.5 (MANE Select); coding-DNA position 3095, A replaced by T.
Protein change: p.Glu1032Val; replaces glutamic acid 1032 with valine.
Molecular consequence: missense variant. On other transcripts: non-coding transcript variant (1).
Genome position (GRCh38, 1-based): chr19:55,000,804, A>T. VCF-style: chr19-55000804-A-T. GRCh37 (hg19) VCF-style: chr19-55512172-A-T.
Other names: c.3095A>T, p.Glu1032Val (NM_001174081.3); c.3029A>T, p.Glu1010Val (NM_001174082.3); c.3026A>T, p.Glu1009Val (NM_001174083.2); c.3086A>T, p.Glu1029Val (NM_001348003.2); c.3095A>T (NM_001174081.2); short protein forms E1009V, E1010V, E1029V, E1032V.
Identifiers: ClinVar variation 775427 (VCV000775427.7), dbSNP rs61735075, ClinGen allele CA310115447.
Genomic context (GRCh38, chr19:55,000,804, plus strand): 5'-CCCCATTGTACCCCAGGTTGAAAATCGATGACTTTAATGATGAACTCAATAAGCTGCTGG[A>T]AGAAATAGAAGAAAAAAACCCACAACTGATTATTGATACTGAGAAACATCATCCCTGGGC-3'
Protein context (NP_060322.1, residues 1022-1042): DFNDELNKLL[Glu1032Val]EIEEKNPQLI